The following is an entry in ClinVar:

ClinVar aggregate classification (germline): Benign/Likely benign. Review status: criteria provided, multiple submitters, no conflicts (2 of 4 stars). 6 submissions from 6 submitters: Benign (1); Likely benign (5). Last evaluated 2026-02-02.

Conditions:
ABAT-related disorder. Also called: ABAT-related condition.
Gamma-aminobutyric acid transaminase deficiency (GABATD). Also called: GABA aminotransaminase deficiency; GABA transaminase deficiency; Gamma aminobutyrate transaminase deficiency; 4 alpha aminobutyrate transaminase deficiency. Identifiers: Orphanet 2066, MedGen C0342708, MONDO:0013166, OMIM 613163.

Allele frequency attached by ClinVar (database versions not stated): ESP Exome Variant Server 0.00023; TOPMed 0.00054; gnomAD 0.00057 and 0.00062; 1000 Genomes Project 30x 0.00172; 1000 Genomes Project 0.00180; ExAC 0.00068; gnomAD exomes 0.00095.
gnomAD v4.1: 912 of 1,614,122 alleles (0.057%); highest among the groups gnomAD compares: East Asian, 0.24%; 3 homozygotes.

Submissions (6):

Labcorp Genetics (formerly Invitae), Labcorp
Classification: Benign for Gamma-aminobutyric acid transaminase deficiency. Last evaluated: 2026-02-02. Review status: criteria provided, single submitter. Criteria: Invitae Variant Classification Sherloc (09022015). Collection method: clinical testing. Allele origin: germline.

PreventionGenetics, part of Exact Sciences
Classification: Likely benign for ABAT-related condition. Last evaluated: 2025-04-09. Review status: criteria provided, single submitter. Criteria: ACMG Guidelines, 2015. Collection method: clinical testing. Allele origin: germline.
Comment: This variant is classified as likely benign based on ACMG/AMP sequence variant interpretation guidelines (Richards et al. 2015 PMID: 25741868, with internal and published modifications).

Blueprint Genetics
Classification: Likely benign. Last evaluated: 2024-10-04. Review status: criteria provided, single submitter. Criteria: ACMG Guidelines, 2015. Collection method: clinical testing. Allele origin: germline.

CeGaT Center for Human Genetics Tuebingen
Classification: Likely benign. Last evaluated: 2022-08-01. Review status: criteria provided, single submitter. Criteria: CeGaT Center For Human Genetics Tuebingen Variant Classification Criteria Version 2. Collection method: clinical testing. Allele origin: germline. Affected: yes. Observed: 1 variant allele.
Comment: ABAT: BP4, BP7

Eurofins Ntd Llc (ga)
Classification: Likely benign. Last evaluated: 2018-04-16. Review status: criteria provided, single submitter. Criteria: EGL ClinVar v180209 classification definitions. Collection method: clinical testing. Allele origin: germline. Observed: 1 variant allele, 1 heterozygote.

Illumina Laboratory Services, Illumina
Classification: Likely benign for Gamma-aminobutyric acid transaminase deficiency. Last evaluated: 2018-01-13. Review status: criteria provided, single submitter. Criteria: ICSL Variant Classification Criteria 13 December 2019. Collection method: clinical testing. Allele origin: germline.
Comment: This variant was observed in the ICSL laboratory as part of a predisposition screen in an ostensibly healthy population. It had not been previously curated by ICSL or reported in the Human Gene Mutation Database (HGMD: prior to June 1st, 2018), and was therefore a candidate for classification through an automated scoring system. Utilizing variant allele frequency, disease prevalence and penetrance estimates, and inheritance mode, an automated score was calculated to assess if this variant is too frequent to cause the disease. Based on the score and internal cut-off values, a variant classified as likely benign is not then subjected to further curation. The score for this variant resulted in a classification of likely benign for this disease.

NM_020686.6(ABAT):c.267C>T (p.Asp89=)

Gene: ABAT (4-aminobutyrate aminotransferase; plus strand). Cytogenetic location: 16p13.2.
Variant type: single nucleotide variant.
Coding change: c.267C>T on transcript NM_020686.6 (MANE Select); coding-DNA position 267, C replaced by T.
Protein change: p.Asp89=; no amino-acid change (aspartic acid 89 retained).
Molecular consequence: synonymous variant. On other transcripts: intron variant (1).
Genome position (GRCh38, 1-based): chr16:8,750,490, C>T. VCF-style: chr16-8750490-C-T. GRCh37 (hg19) VCF-style: chr16-8844347-C-T.
Other names: c.267C>T, p.Asp89= (NM_000663.5, NM_001127448.2, NM_001386600.1 and 11 more transcripts); c.132C>T, p.Asp44= (NM_001386610.1, NM_001386611.1, NM_001386612.1 and 1 more transcripts); c.71-7267C>T (NM_001386614.1).
Identifiers: ClinVar variation 320844 (VCV000320844.45), dbSNP rs199666932, ClinGen allele CA7893036.